The following is an entry in ClinVar:

ClinVar aggregate classification (germline): Uncertain significance (1 of 4 stars; one submission).

Conditions:
RYR1-related disorder. Also called: RYR1-related condition; RYR1-related disorders. Identifiers: MedGen CN239331.

gnomAD v4.1: 1 of 1,613,820 alleles (0.000062%); highest among the groups gnomAD compares: Non-Finnish European, 0.000085%; no homozygotes.

Submission:

Labcorp Genetics (formerly Invitae), Labcorp
Classification: Uncertain significance for RYR1-related disorder. Last evaluated: 2025-05-11. Review status: criteria provided, single submitter. Criteria: Invitae Variant Classification Sherloc (09022015). Collection method: clinical testing. Allele origin: germline.
Comment: This sequence change replaces serine, which is neutral and polar, with phenylalanine, which is neutral and non-polar, at codon 92 of the RYR1 protein (p.Ser92Phe). This variant is present in population databases (no rsID available, gnomAD 0.007%). This variant has not been reported in the literature in individuals affected with RYR1-related conditions. Invitae Evidence Modeling of protein sequence and biophysical properties (such as structural, functional, and spatial information, amino acid conservation, physicochemical variation, residue mobility, and thermodynamic stability) has been performed for this missense variant. However, the output from this modeling did not meet the statistical confidence thresholds required to predict the impact of this variant on RYR1 protein function. In summary, the available evidence is currently insufficient to determine the role of this variant in disease. Therefore, it has been classified as a Variant of Uncertain Significance.

NM_000540.3(RYR1):c.275C>T (p.Ser92Phe)

Gene: RYR1 (ryanodine receptor 1; plus strand). Cytogenetic location: 19q13.2.
Variant type: single nucleotide variant.
Coding change: c.275C>T on transcript NM_000540.3 (MANE Select); coding-DNA position 275, C replaced by T.
Protein change: p.Ser92Phe; replaces serine 92 with phenylalanine.
Molecular consequence: missense variant.
Genome position (GRCh38, 1-based): chr19:38,443,562, C>T. VCF-style: chr19-38443562-C-T. GRCh37 (hg19) VCF-style: chr19-38934202-C-T.
Other names: c.275C>T, p.Ser92Phe (NM_001042723.2); short protein forms S92F.
Identifiers: ClinVar variation 4807685 (VCV004807685.1).